The following is an entry in ClinVar:

NM_005431.2(XRCC2):c.121+3dup

Gene: XRCC2 (X-ray repair cross complementing 2; minus strand). Cytogenetic location: 7q36.1.
Variant type: Duplication.
Coding change: c.121+3dup on transcript NM_005431.2 (MANE Select); 3 bases into the intron after coding-DNA position 121, one base duplicated (A; older notation c.121+3dupA).
Molecular consequence: intron variant.
Genome position (GRCh38, 1-based): chr7:152,660,693, T duplicated on the plus strand (A on the coding strand, the reverse complement: XRCC2 is on the minus strand); the first of 6 consecutive T bases (chr7:152,660,693-152,660,698); duplicating any one gives the same sequence. VCF-style (leftmost placement, unchanged base first): chr7-152660692-A-AT. GRCh37 (hg19) VCF-style: chr7-152357777-A-AT.
Other names: c.121+8dupA (NM_005431.1).
Identifiers: ClinVar variation 420283 (VCV000420283.8), dbSNP rs1064794394, ClinGen allele CA16618438.

ClinVar aggregate classification (germline): Benign/Likely benign. Review status: criteria provided, multiple submitters, no conflicts (2 of 4 stars). 2 submissions from 2 submitters: Benign (1); Likely benign (1). Last evaluated 2022-08-02.

Submissions (2):

Labcorp Genetics (formerly Invitae), Labcorp
Classification: Benign. Last evaluated: 2022-08-02. Review status: criteria provided, single submitter. Criteria: Invitae Variant Classification Sherloc (09022015). Collection method: clinical testing. Allele origin: germline.

GeneDx
Classification: Likely benign. Last evaluated: 2015-12-18. Review status: criteria provided, single submitter. Criteria: GeneDx Variant Classification (06012015). Collection method: clinical testing. Allele origin: germline. Affected: yes.
Comment: This variant is considered likely benign or benign based on one or more of the following criteria: it is a conservative change, it occurs at a poorly conserved position in the protein, it is predicted to be benign by multiple in silico algorithms, and/or has population frequency not consistent with disease.